The following is an entry in ClinVar:

NM_001355436.2(SPTB):c.4236C>T (p.Thr1412=)

Gene: SPTB (spectrin beta, erythrocytic; minus strand). Cytogenetic location: 14q23.3.
Variant type: single nucleotide variant.
Coding change: c.4236C>T on transcript NM_001355436.2 (MANE Select); coding-DNA position 4236, C replaced by T.
Protein change: p.Thr1412=; no amino-acid change (threonine 1412 retained).
Molecular consequence: synonymous variant.
Genome position (GRCh38, 1-based): chr14:64,782,320, G>A on the plus strand (C>T on the coding strand, the complement: SPTB is on the minus strand). VCF-style: chr14-64782320-G-A. GRCh37 (hg19) VCF-style: chr14-65249038-G-A.
Other names: p.Thr1412=; c.4236C>T, p.Thr1412= (NM_001024858.4, NM_001355437.2).
Identifiers: ClinVar variation 257116 (VCV000257116.45), dbSNP rs229639, ClinGen allele CA7230372.

ClinVar aggregate classification (germline): Benign/Likely benign. Review status: criteria provided, multiple submitters, no conflicts (2 of 4 stars). 6 submissions from 6 submitters: Benign (3); Likely benign (3). Last evaluated 2026-01-01.

Allele frequency attached by ClinVar (database versions not stated): ExAC 0.00094; 1000 Genomes Project 0.00220; 1000 Genomes Project 30x 0.00250; ESP Exome Variant Server 0.00261; gnomAD 0.00268 and 0.00286; TOPMed 0.00287.
gnomAD v4.1: 788 of 1,614,174 alleles (0.049%); highest among the groups gnomAD compares: African/African-American, 0.92%; 4 homozygotes.

Submissions (6):

CeGaT Center for Human Genetics Tuebingen
Classification: Likely benign. Last evaluated: 2026-01-01. Review status: criteria provided, single submitter. Criteria: CeGaT Center For Human Genetics Tuebingen Variant Classification Criteria Version 2. Collection method: clinical testing. Allele origin: germline. Affected: yes. Observed: 3 variant alleles.
Comment: SPTB: BP4, BP7

Labcorp Genetics (formerly Invitae), Labcorp
Classification: Benign. Last evaluated: 2025-10-18. Review status: criteria provided, single submitter. Criteria: Invitae Variant Classification Sherloc (09022015). Collection method: clinical testing. Allele origin: germline.

Mayo Clinic Laboratories, Mayo Clinic
Classification: Likely benign. Last evaluated: 2025-07-18. Review status: criteria provided, single submitter. Criteria: ACMG Guidelines, 2015. Collection method: clinical testing. Allele origin: germline. Observed: 6 variant alleles.

ARUP Laboratories, Molecular Genetics and Genomics, ARUP Laboratories
Classification: Benign. Last evaluated: 2025-02-12. Review status: criteria provided, single submitter. Criteria: ARUP Molecular Germline Variant Investigation Process 2024. Collection method: clinical testing. Allele origin: germline.

Blueprint Genetics
Classification: Likely benign. Last evaluated: 2024-11-27. Review status: criteria provided, single submitter. Criteria: ACMG Guidelines, 2015. Collection method: clinical testing. Allele origin: germline.

PreventionGenetics, part of Exact Sciences
Classification: Benign. Review status: criteria provided, single submitter. Criteria: ACMG Guidelines, 2015. Collection method: clinical testing. Allele origin: germline.